The following is an entry in ClinVar:

NM_014140.4(SMARCAL1):c.1222C>T (p.Gln408Ter)

Gene: SMARCAL1 (SNF2 related chromatin remodeling annealing helicase 1; plus strand). Cytogenetic location: 2q35.
Variant type: single nucleotide variant.
Coding change: c.1222C>T on transcript NM_014140.4 (MANE Select); coding-DNA position 1222, C replaced by T.
Protein change: p.Gln408Ter; replaces glutamine 408 with a stop codon.
Molecular consequence: nonsense.
Genome position (GRCh38, 1-based): chr2:216,428,670, C>T. VCF-style: chr2-216428670-C-T. GRCh37 (hg19) VCF-style: chr2-217293393-C-T.
Other names: c.1222C>T, p.Gln408Ter (NM_001127207.2); short protein forms Q408*.
Identifiers: ClinVar variation 1455796 (VCV001455796.6), dbSNP rs2106029186, ClinGen allele CA350499548.
Genomic context (GRCh38, chr2:216,428,670, plus strand): 5'-TGCCTCCCACAAGTTCAGCTGGACCCTCTGCCCACGACTCTCACCCTGGCGTTTGCTTCT[C>T]AGCTCAAGAAGACATCTCTCAGTCTCACGCCAGATGTCCCAGAGGCAGACCTTTCTGAAG-3'

ClinVar aggregate classification (germline): Pathogenic (1 of 4 stars; one submission).

Conditions:
Schimke immuno-osseous dysplasia (SIOD). Also called: Schimke Immunoosseous Dysplasia. Identifiers: Orphanet 1830, MedGen C0877024, MONDO:0009458, OMIM 242900.

Submission:

Labcorp Genetics (formerly Invitae), Labcorp
Classification: Pathogenic for Schimke immuno-osseous dysplasia. Last evaluated: 2020-11-10. Review status: criteria provided, single submitter. Criteria: Invitae Variant Classification Sherloc (09022015). Collection method: clinical testing. Allele origin: germline.
Comment: For these reasons, this variant has been classified as Pathogenic. This variant has not been reported in the literature in individuals with SMARCAL1-related conditions. This variant is not present in population databases (ExAC no frequency). This sequence change creates a premature translational stop signal (p.Gln408*) in the SMARCAL1 gene. It is expected to result in an absent or disrupted protein product. Loss-of-function variants in SMARCAL1 are known to be pathogenic (PMID: 11799392, 20301550).

Literature cited by the submitters: PubMed 11799392; PubMed 20301550.